The following is an entry in ClinVar:

NM_001035.3(RYR2):c.7388A>G (p.Asp2463Gly)

Gene: RYR2 (ryanodine receptor 2; plus strand). Cytogenetic location: 1q43.
Variant type: single nucleotide variant.
Coding change: c.7388A>G on transcript NM_001035.3 (MANE Select); coding-DNA position 7388, A replaced by G.
Protein change: p.Asp2463Gly; replaces aspartic acid 2463 with glycine.
Molecular consequence: missense variant.
Genome position (GRCh38, 1-based): chr1:237,648,489, A>G. VCF-style: chr1-237648489-A-G. GRCh37 (hg19) VCF-style: chr1-237811789-A-G.
Other names: short protein forms D2463G.
Identifiers: ClinVar variation 3072599 (VCV003072599.1), dbSNP rs2547025736, ClinGen allele CA345398136.
Genomic context (GRCh38, chr1:237,648,489, plus strand): 5'-ACTTCTCTCTTTTAGATGGGAATGTGGTGGAACCTGACATGTCTGCGGGGTTTTGCCCAG[A>G]TCACAAGGCAGCCATGGTTTTATTCCTTGACAGGGTCTATGGGATTGAGGTTCAAGACTT-3'
Protein context (NP_001026.2, residues 2453-2473): EPDMSAGFCP[Asp2463Gly]HKAAMVLFLD

ClinVar aggregate classification (germline): Uncertain significance (1 of 4 stars; one submission).

Conditions:
Catecholaminergic polymorphic ventricular tachycardia (CVPT). Also called: Catecholamine-induced polymorphic ventricular tachycardia. Identifiers: Orphanet 3286, MedGen C5574922, MONDO:0017990.

Submission:

All of Us Research Program, National Institutes of Health
Classification: Uncertain significance for Catecholaminergic polymorphic ventricular tachycardia. Last evaluated: 2023-08-08. Review status: criteria provided, single submitter. Criteria: ACMG Guidelines, 2015. Collection method: clinical testing. Allele origin: germline. Inheritance: Autosomal dominant inheritance. Observed: 1 variant allele, 1 heterozygote.
Comment: This missense variant replaces aspartic acid with glycine at codon 2463 of the RYR2 protein. Computational prediction suggests that this variant may have deleterious impact on protein structure and function (internally defined REVEL score threshold >= 0.7, PMID: 27666373). To our knowledge, functional studies have not been reported for this variant. This variant has not been reported in individuals affected with RYR2-related disorders in the literature. This variant has not been identified in the general population by the Genome Aggregation Database (gnomAD). The available evidence is insufficient to determine the role of this variant in disease conclusively. Therefore, this variant is classified as a Variant of Uncertain Significance.

This study involves interpretation of variants in research participants for the purpose of population health screening. Participant phenotype was not available at the time of variant classification. Additional details can be found in publication PMID: 35346344, PMCID: PMC8962531